The following is an entry in ClinVar:

ClinVar aggregate classification (germline): Uncertain significance (1 of 4 stars; one submission).

Conditions:
Familial cancer of breast. Also called: hereditary breast carcinoma; BREAST CANCER, FAMILIAL; Hereditary breast cancer. Identifiers: Orphanet 227535, MedGen C0346153, MONDO:0016419, OMIM 114480. Disease mechanism: loss of function.
Fanconi anemia complementation group J. Also called: BRIP1-Related Fanconi Anemia. Identifiers: Orphanet 84, MedGen C1836860, MONDO:0012187, OMIM 609054.

Submission:

Labcorp Genetics (formerly Invitae), Labcorp
Classification: Uncertain significance for Familial cancer of breast; Fanconi anemia complementation group J. Last evaluated: 2022-03-21. Review status: criteria provided, single submitter. Criteria: Invitae Variant Classification Sherloc (09022015). Collection method: clinical testing. Allele origin: germline.
Comment: In summary, the available evidence is currently insufficient to determine the role of this variant in disease. Therefore, it has been classified as a Variant of Uncertain Significance. Algorithms developed to predict the effect of missense changes on protein structure and function (SIFT, PolyPhen-2, Align-GVGD) all suggest that this variant is likely to be tolerated. This variant has not been reported in the literature in individuals affected with BRIP1-related conditions. This variant is not present in population databases (gnomAD no frequency). This sequence change replaces serine, which is neutral and polar, with asparagine, which is neutral and polar, at codon 1029 of the BRIP1 protein (p.Ser1029Asn).

NM_032043.3(BRIP1):c.3086G>A (p.Ser1029Asn)

Gene: BRIP1 (BRCA1 interacting DNA helicase 1; minus strand). Cytogenetic location: 17q23.2.
Variant type: single nucleotide variant.
Coding change: c.3086G>A on transcript NM_032043.3 (MANE Select); coding-DNA position 3086, G replaced by A.
Protein change: p.Ser1029Asn; replaces serine 1029 with asparagine.
Molecular consequence: missense variant.
Genome position (GRCh38, 1-based): chr17:61,683,960, C>T on the plus strand (G>A on the coding strand, the complement: BRIP1 is on the minus strand). VCF-style: chr17-61683960-C-T. GRCh37 (hg19) VCF-style: chr17-59761321-C-T.
Other names: short protein forms S1029N.
Identifiers: ClinVar variation 2188968 (VCV002188968.4), dbSNP rs755949409, ClinGen allele CA400479806.
Genomic context (GRCh38, chr17:61,683,960, plus strand): 5'-AAGGGCAAAACAGTTTTACTTTCCATCTTCTCTGTTTTGAAACGGGGAGGACTAGAGGCA[C>T]TATTCTCTGATGACCCGAGCTCAGGTGTTGCCTTCGGTATTTTACCAGTAAAATACTGTC-3'
Protein context (NP_114432.2, residues 1019-1039): ATPELGSSEN[Ser1029Asn]ASSPPRFKTE